The following is an entry in ClinVar:

NM_000053.4(ATP7B):c.40G>A (p.Ala14Thr)

Gene: ATP7B (ATPase copper transporting beta; minus strand). Cytogenetic location: 13q14.3.
Variant type: single nucleotide variant.
Coding change: c.40G>A on transcript NM_000053.4 (MANE Select); coding-DNA position 40, G replaced by A.
Protein change: p.Ala14Thr; replaces alanine 14 with threonine.
Molecular consequence: missense variant.
Genome position (GRCh38, 1-based): chr13:52,011,298, C>T on the plus strand (G>A on the coding strand, the complement: ATP7B is on the minus strand). VCF-style: chr13-52011298-C-T. GRCh37 (hg19) VCF-style: chr13-52585434-C-T.
Other names: c.40G>A, p.Ala14Thr (NM_001406515.1, NM_001406516.1, NM_001406519.1 and 30 more transcripts); c.-148G>A (NM_001406518.1); c.-90G>A (NM_001406543.1, NM_001406539.1); short protein forms A14T.
Identifiers: ClinVar variation 1971251 (VCV001971251.5), dbSNP rs773119230, ClinGen allele CA6989711.
Genomic context (GRCh38, chr13:52,011,298, plus strand): 5'-TCCTGGTGGGAGTGAGCACGCTGCGCGGACGCGGGGGAACAAAACTCACTTTCCGACTGG[C>T]CCCTTCTCTGGCTGTGATCTGTCTCTCCTGCTCAGGCATCGTCCCGCACGGACACCGAAT-3'
Protein context (NP_000044.2, residues 4-24): QERQITAREG[Ala14Thr]SRKILSKLSL

ClinVar aggregate classification (germline): Uncertain significance (1 of 4 stars; one submission).

Conditions:
Wilson disease (WND). Also called: Wilson's disease. Identifiers: Orphanet 905, MedGen C0019202, MONDO:0010200, OMIM 277900. Disease mechanism: loss of function.

Allele frequency attached by ClinVar (database versions not stated): gnomAD exomes below 0.00001; ExAC 0.00001; gnomAD 0.00001; TOPMed 0.00001.
gnomAD v4.1: 2 of 1,614,114 alleles (0.00012%); highest among the groups gnomAD compares: Admixed American, 0.0017%; no homozygotes.

Submission:

Labcorp Genetics (formerly Invitae), Labcorp
Classification: Uncertain significance for Wilson disease. Last evaluated: 2022-11-01. Review status: criteria provided, single submitter. Criteria: Invitae Variant Classification Sherloc (09022015). Collection method: clinical testing. Allele origin: germline.
Comment: In summary, the available evidence is currently insufficient to determine the role of this variant in disease. Therefore, it has been classified as a Variant of Uncertain Significance. Advanced modeling of protein sequence and biophysical properties (such as structural, functional, and spatial information, amino acid conservation, physicochemical variation, residue mobility, and thermodynamic stability) performed at Invitae indicates that this missense variant is not expected to disrupt ATP7B protein function. This variant has not been reported in the literature in individuals affected with ATP7B-related conditions. This variant is present in population databases (rs773119230, gnomAD 0.003%). This sequence change replaces alanine, which is neutral and non-polar, with threonine, which is neutral and polar, at codon 14 of the ATP7B protein (p.Ala14Thr).